The following is an entry in ClinVar:

NM_005198.5(CHKB):c.569G>A (p.Gly190Glu)

Genes: CHKB (choline kinase beta; minus strand), CHKB-CPT1B (CHKB-CPT1B readthrough (NMD candidate); minus strand). Cytogenetic location: 22q13.33.
Variant type: single nucleotide variant.
Coding change: c.569G>A on transcript NM_005198.5 (MANE Select); coding-DNA position 569, G replaced by A.
Protein change: p.Gly190Glu; replaces glycine 190 with glutamic acid.
Molecular consequence: missense variant. On other transcripts: non-coding transcript variant (1).
Genome position (GRCh38, 1-based): chr22:50,581,432, C>T on the plus strand (G>A on the coding strand, the complement: CHKB is on the minus strand). VCF-style: chr22-50581432-C-T. GRCh37 (hg19) VCF-style: chr22-51019861-C-T.
Other names: c.569G>A (NM_005198.4); short protein forms G190E.
Identifiers: ClinVar variation 1006730 (VCV001006730.11), dbSNP rs2070688663, ClinGen allele CA412200269.

ClinVar aggregate classification (germline): Uncertain significance. Review status: criteria provided, multiple submitters, no conflicts (2 of 4 stars). 2 submissions from 2 submitters: Uncertain significance (2). Last evaluated 2025-01-16.

Conditions:
Inborn genetic diseases. Identifiers: MedGen C0950123, MeSH D030342.
Megaconial type congenital muscular dystrophy (MDCMC). Also called: CHKB-Related Muscle Diseases; CHKB-Related Muscular Dystrophy; MUSCULAR DYSTROPHY, CONGENITAL, WITH MITOCHONDRIAL STRUCTURAL ABNORMALITIES. Identifiers: Orphanet 280671, MedGen C1865233, MONDO:0011246, OMIM 602541.

Allele frequency attached by ClinVar (database versions not stated): gnomAD exomes below 0.00001; TOPMed below 0.00001.
gnomAD v4.1: 1 of 1,613,462 alleles (0.000062%); highest among the groups gnomAD compares: Admixed American, 0.0017%; no homozygotes.

Submissions (2):

Ambry Genetics
Classification: Uncertain significance for Inborn genetic diseases. Last evaluated: 2025-01-16. Review status: criteria provided, single submitter. Criteria: Ambry Variant Classification Scheme 2023. Collection method: clinical testing. Allele origin: germline.

Labcorp Genetics (formerly Invitae), Labcorp
Classification: Uncertain significance for Megaconial type congenital muscular dystrophy. Last evaluated: 2023-05-15. Review status: criteria provided, single submitter. Criteria: Invitae Variant Classification Sherloc (09022015). Collection method: clinical testing. Allele origin: germline.
Comment: In summary, the available evidence is currently insufficient to determine the role of this variant in disease. Therefore, it has been classified as a Variant of Uncertain Significance. Advanced modeling of protein sequence and biophysical properties (such as structural, functional, and spatial information, amino acid conservation, physicochemical variation, residue mobility, and thermodynamic stability) performed at Invitae indicates that this missense variant is not expected to disrupt CHKB protein function. ClinVar contains an entry for this variant (Variation ID: 1006730). This variant has not been reported in the literature in individuals affected with CHKB-related conditions. This variant is not present in population databases (gnomAD no frequency). This sequence change replaces glycine, which is neutral and non-polar, with glutamic acid, which is acidic and polar, at codon 190 of the CHKB protein (p.Gly190Glu).